The following is an entry in ClinVar:

ClinVar aggregate classification (germline): Uncertain significance. Review status: criteria provided, multiple submitters, no conflicts (2 of 4 stars). 2 submissions from 2 submitters: Uncertain significance (2). Last evaluated 2024-01-17.

Conditions:
Inborn genetic diseases. Identifiers: MedGen C0950123, MeSH D030342.

Allele frequency attached by ClinVar (database versions not stated): gnomAD exomes 0.00001; ExAC 0.00003; gnomAD 0.00003; TOPMed 0.00005.
gnomAD v4.1: 24 of 1,608,456 alleles (0.0015%); highest among the groups gnomAD compares: Non-Finnish European, 0.0019%; no homozygotes.

Submissions (2):

Ambry Genetics
Classification: Uncertain significance for Inborn genetic diseases. Last evaluated: 2024-01-17. Review status: criteria provided, single submitter. Criteria: Ambry Variant Classification Scheme 2023. Collection method: clinical testing. Allele origin: germline.

Labcorp Genetics (formerly Invitae), Labcorp
Classification: Uncertain significance. Last evaluated: 2022-07-11. Review status: criteria provided, single submitter. Criteria: Invitae Variant Classification Sherloc (09022015). Collection method: clinical testing. Allele origin: germline.
Comment: In summary, the available evidence is currently insufficient to determine the role of this variant in disease. Therefore, it has been classified as a Variant of Uncertain Significance. Algorithms developed to predict the effect of sequence changes on RNA splicing suggest that this variant may create or strengthen a splice site. Algorithms developed to predict the effect of missense changes on protein structure and function (SIFT, PolyPhen-2, Align-GVGD) all suggest that this variant is likely to be disruptive. This variant has not been reported in the literature in individuals affected with COA7-related conditions. This variant is present in population databases (rs754249175, gnomAD 0.006%). This sequence change replaces glycine, which is neutral and non-polar, with aspartic acid, which is acidic and polar, at codon 84 of the COA7 protein (p.Gly84Asp).

NM_023077.3(COA7):c.251G>A (p.Gly84Asp)

Gene: COA7 (cytochrome c oxidase assembly factor 7; minus strand). Cytogenetic location: 1p32.3.
Variant type: single nucleotide variant.
Coding change: c.251G>A on transcript NM_023077.3 (MANE Select); coding-DNA position 251, G replaced by A.
Protein change: p.Gly84Asp; replaces glycine 84 with aspartic acid.
Molecular consequence: missense variant.
Genome position (GRCh38, 1-based): chr1:52,688,165, C>T on the plus strand (G>A on the coding strand, the complement: COA7 is on the minus strand). VCF-style: chr1-52688165-C-T. GRCh37 (hg19) VCF-style: chr1-53153837-C-T.
Other names: c.251G>A (NM_023077.2); short protein forms G84D.
Identifiers: ClinVar variation 1973945 (VCV001973945.6), dbSNP rs754249175, ClinGen allele CA855669.